The following is an entry in ClinVar:

ClinVar aggregate classification (germline): Uncertain significance (1 of 4 stars; one submission).

Conditions:
Hereditary pancreatitis (PCTT). Also called: PRSS1-Related Hereditary Pancreatitis; Hereditary chronic pancreatitis. Identifiers: Orphanet 676, MedGen C0238339, MONDO:0008185, OMIM 167800.

Submission:

Ambry Genetics
Classification: Uncertain significance for Hereditary pancreatitis. Last evaluated: 2025-03-11. Review status: criteria provided, single submitter. Criteria: Ambry Variant Classification Scheme 2023. Collection method: clinical testing. Allele origin: germline.
Comment: The p.N89S variant (also known as c.266A>G), located in coding exon 4 of the CTRC gene, results from an A to G substitution at nucleotide position 266. The asparagine at codon 89 is replaced by serine, an amino acid with highly similar properties. This amino acid position is conserved. In addition, this alteration is predicted to be tolerated by in silico analysis. Based on the available evidence, the clinical significance of this variant remains unclear.

NM_007272.3(CTRC):c.266A>G (p.Asn89Ser)

Gene: CTRC (chymotrypsin C; plus strand). Cytogenetic location: 1p36.21.
Variant type: single nucleotide variant.
Coding change: c.266A>G on transcript NM_007272.3 (MANE Select); coding-DNA position 266, A replaced by G.
Protein change: p.Asn89Ser; replaces asparagine 89 with serine.
Molecular consequence: missense variant.
Genome position (GRCh38, 1-based): chr1:15,442,482, A>G. VCF-style: chr1-15442482-A-G. GRCh37 (hg19) VCF-style: chr1-15768978-A-G.
Other names: short protein forms N89S.
Identifiers: ClinVar variation 3837300 (VCV003837300.1).